The following is an entry in ClinVar:

NM_001904.4(CTNNB1):c.893C>G (p.Thr298Arg)

Gene: CTNNB1 (catenin beta 1; plus strand). Cytogenetic location: 3p22.1.
Variant type: single nucleotide variant.
Coding change: c.893C>G on transcript NM_001904.4 (MANE Select); coding-DNA position 893, C replaced by G.
Protein change: p.Thr298Arg; replaces threonine 298 with arginine.
Molecular consequence: missense variant.
Genome position (GRCh38, 1-based): chr3:41,225,818, C>G. VCF-style: chr3-41225818-C-G. GRCh37 (hg19) VCF-style: chr3-41267309-C-G.
Other names: c.893C>G, p.Thr298Arg (NM_001098209.2, NM_001098210.2); c.872C>G, p.Thr291Arg (NM_001330729.2); short protein forms T298R, T291R.
Identifiers: ClinVar variation 3730084 (VCV003730084.2).

ClinVar aggregate classification (germline): Uncertain significance (1 of 4 stars; one submission).

Submission:

Labcorp Genetics (formerly Invitae), Labcorp
Classification: Uncertain significance. Last evaluated: 2025-01-23. Review status: criteria provided, single submitter. Criteria: Invitae Variant Classification Sherloc (09022015). Collection method: clinical testing. Allele origin: germline.
Comment: This sequence change replaces threonine, which is neutral and polar, with arginine, which is basic and polar, at codon 298 of the CTNNB1 protein (p.Thr298Arg). This variant is not present in population databases (gnomAD no frequency). This variant has not been reported in the literature in individuals affected with CTNNB1-related conditions. Invitae Evidence Modeling of protein sequence and biophysical properties (such as structural, functional, and spatial information, amino acid conservation, physicochemical variation, residue mobility, and thermodynamic stability) indicates that this missense variant is expected to disrupt CTNNB1 protein function with a positive predictive value of 80%. In summary, the available evidence is currently insufficient to determine the role of this variant in disease. Therefore, it has been classified as a Variant of Uncertain Significance.